The following is an entry in ClinVar:

NM_201384.3(PLEC):c.12094G>T (p.Gly4032Cys)

Gene: PLEC (plectin; minus strand). Cytogenetic location: 8q24.3.
Variant type: single nucleotide variant.
Coding change: c.12094G>T on transcript NM_201384.3 (MANE Select); coding-DNA position 12094, G replaced by T.
Protein change: p.Gly4032Cys; replaces glycine 4032 with cysteine.
Molecular consequence: missense variant.
Genome position (GRCh38, 1-based): chr8:143,917,727, C>A on the plus strand (G>T on the coding strand, the complement: PLEC is on the minus strand). VCF-style: chr8-143917727-C-A. GRCh37 (hg19) VCF-style: chr8-144991895-C-A.
Other names: c.12175G>T, p.Gly4059Cys (NM_000445.5); c.12052G>T, p.Gly4018Cys (NM_201378.4); c.12028G>T, p.Gly4010Cys (NM_201379.3); c.12505G>T, p.Gly4169Cys (NM_201380.4); c.11998G>T, p.Gly4000Cys (NM_201381.3); c.12094G>T, p.Gly4032Cys (NM_201382.4); c.12106G>T, p.Gly4036Cys (NM_201383.3); short protein forms G4059C, G4000C, G4018C, G4169C, G4010C, G4032C, G4036C.
Identifiers: ClinVar variation 1437313 (VCV001437313.8), dbSNP rs1821039505, ClinGen allele CA372486011.

ClinVar aggregate classification (germline): Uncertain significance (1 of 4 stars; one submission).

Conditions:
Epidermolysis bullosa simplex 5B, with muscular dystrophy (EBS5B). Also called: EPIDERMOLYSIS BULLOSA SIMPLEX AND LIMB-GIRDLE MUSCULAR DYSTROPHY; Epidermolysis bullosa simplex with muscular dystrophy. Identifiers: Orphanet 257, MedGen C2931072, MONDO:0009181, OMIM 226670.
Epidermolysis bullosa simplex 5C, with pyloric atresia (EBS5C). Also called: Epidermolysis bullosa simplex with pyloric atresia; PLEC-Related Epidermolysis Bullosa with Pyloric Atresia; PLEC1-Related Epidermolysis Bullosa with Pyloric Atresia. Identifiers: Orphanet 158684, MedGen C2677349, MONDO:0012807, OMIM 612138.
Autosomal recessive limb-girdle muscular dystrophy type 2Q (LGMDR17). Also called: MUSCULAR DYSTROPHY, LIMB-GIRDLE, AUTOSOMAL RECESSIVE 17. Identifiers: Orphanet 254361, MedGen C3150989, MONDO:0013390, OMIM 613723.
Epidermolysis bullosa simplex with nail dystrophy (EBS5D). Identifiers: MedGen C4225309, MONDO:0014661, OMIM 616487.
Epidermolysis bullosa simplex, Ogna type (EBS5A). Also called: Pidermolysis bullosa simplex 5A, Ogna type; EPIDERMOLYSIS BULLOSA SIMPLEX 5A, OGNA TYPE. Identifiers: Orphanet 79401, MedGen C0432317, MONDO:0007555, OMIM 131950.

Submission:

Labcorp Genetics (formerly Invitae), Labcorp
Classification: Uncertain significance for Autosomal recessive limb-girdle muscular dystrophy type 2Q; Epidermolysis bullosa simplex, Ogna type; Epidermolysis bullosa simplex with nail dystrophy; Epidermolysis bullosa simplex 5C, with pyloric atresia; Epidermolysis bullosa simplex 5B, with muscular dystrophy. Last evaluated: 2022-06-20. Review status: criteria provided, single submitter. Criteria: Invitae Variant Classification Sherloc (09022015). Collection method: clinical testing. Allele origin: germline.
Comment: In summary, the available evidence is currently insufficient to determine the role of this variant in disease. Therefore, it has been classified as a Variant of Uncertain Significance. Algorithms developed to predict the effect of missense changes on protein structure and function (SIFT, PolyPhen-2, Align-GVGD) all suggest that this variant is likely to be disruptive. This variant has not been reported in the literature in individuals affected with PLEC-related conditions. This variant is not present in population databases (gnomAD no frequency). This sequence change replaces glycine, which is neutral and non-polar, with cysteine, which is neutral and slightly polar, at codon 4059 of the PLEC protein (p.Gly4059Cys).